The following is an entry in ClinVar:

ClinVar aggregate classification (germline): Likely benign. Review status: criteria provided, multiple submitters, no conflicts (2 of 4 stars). 3 submissions from 3 submitters: Likely benign (3). Last evaluated 2025-10-07.

Conditions:
Charcot-Marie-Tooth disease type 2. Also called: Charcot-Marie-Tooth type 2. Identifiers: Orphanet 64746, MedGen C0270914, MONDO:0018993.

gnomAD v4.1: 3 of 1,614,120 alleles (0.00019%); highest among the groups gnomAD compares: Non-Finnish European, 0.00025%; no homozygotes.

Submissions (3):

Labcorp Genetics (formerly Invitae), Labcorp
Classification: Likely benign for Charcot-Marie-Tooth disease type 2. Last evaluated: 2025-10-07. Review status: criteria provided, single submitter. Criteria: Invitae Variant Classification Sherloc (09022015). Collection method: clinical testing. Allele origin: germline.

CeGaT Center for Human Genetics Tuebingen
Classification: Likely benign. Last evaluated: 2025-08-01. Review status: criteria provided, single submitter. Criteria: CeGaT Center For Human Genetics Tuebingen Variant Classification Criteria Version 2. Collection method: clinical testing. Allele origin: germline. Affected: yes. Observed: 1 variant allele.
Comment: KIF1B: BP4, BP7

Ambry Genetics
Classification: Likely benign. Last evaluated: 2021-06-15. Review status: criteria provided, single submitter. Criteria: Ambry Variant Classification Scheme 2023. Collection method: clinical testing. Allele origin: germline.

NM_001365951.3(KIF1B):c.3675A>G (p.Pro1225=)

Gene: KIF1B (kinesin family member 1B; plus strand). Cytogenetic location: 1p36.22.
Variant type: single nucleotide variant.
Coding change: c.3675A>G on transcript NM_001365951.3 (MANE Select); coding-DNA position 3675, A replaced by G.
Protein change: p.Pro1225=; no amino-acid change (proline 1225 retained).
Molecular consequence: synonymous variant.
Genome position (GRCh38, 1-based): chr1:10,343,274, A>G. VCF-style: chr1-10343274-A-G. GRCh37 (hg19) VCF-style: chr1-10403332-A-G.
Other names: c.3675A>G, p.Pro1225= (NM_001365952.1); c.3537A>G, p.Pro1179= (NM_015074.3).
Identifiers: ClinVar variation 1732409 (VCV001732409.11), dbSNP rs2521760646, ClinGen allele CA415884343.